The following is an entry in ClinVar:

NM_001273.5(CHD4):c.1597A>G (p.Lys533Glu)

Gene: CHD4 (chromodomain helicase DNA binding protein 4; minus strand). Cytogenetic location: 12p13.31.
Variant type: single nucleotide variant.
Coding change: c.1597A>G on transcript NM_001273.5 (MANE Select); coding-DNA position 1597, A replaced by G.
Protein change: p.Lys533Glu; replaces lysine 533 with glutamic acid.
Molecular consequence: missense variant.
Genome position (GRCh38, 1-based): chr12:6,598,311, T>C on the plus strand (A>G on the coding strand, the complement: CHD4 is on the minus strand). VCF-style: chr12-6598311-T-C. GRCh37 (hg19) VCF-style: chr12-6707477-T-C.
Other names: c.1576A>G, p.Lys526Glu (NM_001297553.2); c.1558A>G, p.Lys520Glu (NM_001363606.2); short protein forms K520E, K526E, K533E.
Identifiers: ClinVar variation 2497903 (VCV002497903.1), dbSNP rs2540407843, ClinGen allele CA383598755.
Genomic context (GRCh38, chr12:6,598,311, plus strand): 5'-AGTAAGACATGCCTTGCCATTTCACAAAGAACTGCCGCTCTGGCCGCCCCTCCAAGGGCT[T>C]TGGGGAGGGCGTGTTGGGATCAGCATCTGGAGGCCGAGGCACTGGTGTGGGAGATGGTGG-3'
Protein context (NP_001264.2, residues 523-543): PDADPNTPSP[Lys533Glu]PLEGRPERQF

ClinVar aggregate classification (germline): Uncertain significance (1 of 4 stars; one submission).

Submission:

GeneDx
Classification: Uncertain significance. Last evaluated: 2022-10-08. Review status: criteria provided, single submitter. Criteria: GeneDx Variant Classification Process June 2021. Collection method: clinical testing. Allele origin: germline. Affected: yes.
Comment: De novo variant with confirmed parentage in a patient with epilepsy with febrile seizure and sinus arrhythmia (Liu et al., 2021); Not observed at significant frequency in large population cohorts (gnomAD); In silico analysis supports that this missense variant does not alter protein structure/function; This variant is associated with the following publications: (PMID: 34109749)